The following is an entry in ClinVar:

ClinVar aggregate classification (germline): Likely pathogenic (1 of 4 stars; one submission).

Conditions:
Episodic ataxia type 2 (EA2). Also called: ATAXIA, EPISODIC, WITH NYSTAGMUS; ATAXIA, FAMILIAL PAROXYSMAL; CEREBELLAR ATAXIA, PAROXYSMAL, ACETAZOLAMIDE-RESPONSIVE; CEREBELLOPATHY, HEREDITARY PAROXYSMAL; EPISODIC ATAXIA, NYSTAGMUS-ASSOCIATED; ACETAZOLAMIDE-RESPONSIVE HEREDITARY PAROXYSMAL CEREBELLAR ATAXIA. Identifiers: Orphanet 97, MedGen C1720416, MONDO:0007163, OMIM 108500.
Developmental and epileptic encephalopathy, 42 (DEE42A). Also called: Epileptic encephalopathy, early infantile, 42; DEVELOPMENTAL AND EPILEPTIC ENCEPHALOPATHY 42A; EPILEPTIC ENCEPHALOPATHY, EARLY INFANTILE, 42A. Identifiers: MedGen C4310716, MONDO:0014917, OMIM 617106.

Submission:

Labcorp Genetics (formerly Invitae), Labcorp
Classification: Likely pathogenic for Developmental and epileptic encephalopathy, 42; Episodic ataxia type 2. Last evaluated: 2022-02-18. Review status: criteria provided, single submitter. Criteria: Invitae Variant Classification Sherloc (09022015). Collection method: clinical testing. Allele origin: germline.
Comment: This sequence change affects a splice site in intron 33 of the CACNA1A gene. It is expected to disrupt RNA splicing. Variants that disrupt the donor or acceptor splice site typically lead to a loss of protein function (PMID: 16199547), and loss-of-function variants in CACNA1A are known to be pathogenic (PMID: 10371528, 19486177, 25735478, 27250579). This variant is not present in population databases (gnomAD no frequency). This variant has not been reported in the literature in individuals affected with CACNA1A-related conditions. Algorithms developed to predict the effect of sequence changes on RNA splicing suggest that this variant may disrupt the consensus splice site. In summary, the currently available evidence indicates that the variant is pathogenic, but additional data are needed to prove that conclusively. Therefore, this variant has been classified as Likely Pathogenic.

Literature cited by the submitters: PubMed 16199547; PubMed 10371528; PubMed 19486177; PubMed 25735478; PubMed 27250579.

NM_001127222.2(CACNA1A):c.5134-2del

Gene: CACNA1A (calcium voltage-gated channel subunit alpha1 A; minus strand). Cytogenetic location: 19p13.13.
Variant type: Deletion.
Coding change: c.5134-2del on transcript NM_001127222.2 (MANE Select); the canonical splice acceptor site of the intron before coding-DNA position 5134, one base deleted (A; older notation c.5134-2delA).
Molecular consequence: splice acceptor variant.
Genome position (GRCh38, 1-based): chr19:13,235,038, T deleted on the plus strand (A on the coding strand, the reverse complement: CACNA1A is on the minus strand). VCF-style (leftmost placement, unchanged base first): chr19-13235037-CT-C. GRCh37 (hg19) VCF-style: chr19-13345851-CT-C.
Other names: c.5137-2del (NM_001127221.2); c.5143-2del (NM_001174080.2); c.5152-2del (NM_000068.4, NM_023035.3).
Identifiers: ClinVar variation 2098751 (VCV002098751.4), dbSNP rs2512644131, ClinGen allele CA2580096567.